The following is an entry in ClinVar:

ClinVar aggregate classification (germline): Uncertain significance. Review status: criteria provided, multiple submitters, no conflicts (2 of 4 stars). 5 submissions from 5 submitters: Uncertain significance (5). Last evaluated 2025-11-05.

Conditions:
Familial cancer of breast. Also called: BREAST CANCER, FAMILIAL; hereditary breast carcinoma; Hereditary breast cancer. Identifiers: Orphanet 227535, MedGen C0346153, MONDO:0016419, OMIM 114480. Disease mechanism: loss of function.
Hereditary cancer-predisposing syndrome. Also called: Neoplastic Syndromes, Hereditary; Hereditary Cancer Syndrome; Hereditary neoplastic syndrome; Tumor predisposition. Identifiers: Orphanet 140162, MedGen C0027672, MeSH D009386, MONDO:0015356.

Submissions (5):

Ambry Genetics
Classification: Uncertain significance for Hereditary cancer-predisposing syndrome. Last evaluated: 2025-11-05. Review status: criteria provided, single submitter. Criteria: Ambry Variant Classification Scheme 2023. Collection method: clinical testing. Allele origin: germline.
Comment: The p.W218L variant (also known as c.653G>T), located in coding exon 4 of the BARD1 gene, results from a G to T substitution at nucleotide position 653. The tryptophan at codon 218 is replaced by leucine, an amino acid with similar properties. This amino acid position is well conserved in available vertebrate species. In addition, this alteration is predicted to be tolerated by in silico analysis. Since supporting evidence is limited at this time, the clinical significance of this alteration remains unclear.

Quest Diagnostics Nichols Institute San Juan Capistrano
Classification: Uncertain significance. Last evaluated: 2025-09-15. Review status: criteria provided, single submitter. Criteria: Quest Diagnostics criteria. Collection method: clinical testing. Allele origin: unknown.
Comment: The BARD1 c.653G>T (p.Trp218Leu) variant has not been reported as a germline variant in the published literature. This variant has not been reported in large, multi-ethnic general populations (Genome Aggregation Database). Analysis of this variant using bioinformatics tools for the prediction of the effect of amino acid changes on protein structure and function yielded conflicting predictions that this variant is benign or damaging. Based on the available information, we are unable to determine the clinical significance of this variant.

Labcorp Genetics (formerly Invitae), Labcorp
Classification: Uncertain significance for Familial cancer of breast. Last evaluated: 2025-08-13. Review status: criteria provided, single submitter. Criteria: Invitae Variant Classification Sherloc (09022015). Collection method: clinical testing. Allele origin: germline.
Comment: This sequence change replaces tryptophan, which is neutral and slightly polar, with leucine, which is neutral and non-polar, at codon 218 of the BARD1 protein (p.Trp218Leu). This variant is not present in population databases (gnomAD no frequency). This variant has not been reported in the literature in individuals affected with BARD1-related conditions. ClinVar contains an entry for this variant (Variation ID: 479178). An algorithm developed to predict the effect of missense changes on protein structure and function (PolyPhen-2) suggests that this variant is likely to be disruptive. In summary, the available evidence is currently insufficient to determine the role of this variant in disease. Therefore, it has been classified as a Variant of Uncertain Significance.

Baylor Genetics
Classification: Uncertain significance for Familial cancer of breast. Last evaluated: 2023-09-07. Review status: criteria provided, single submitter. Criteria: ACMG Guidelines, 2015. Collection method: clinical testing. Allele origin: unknown.

Color Diagnostics, LLC DBA Color Health
Classification: Uncertain significance for Hereditary cancer-predisposing syndrome. Last evaluated: 2019-06-24. Review status: criteria provided, single submitter. Criteria: ACMG Guidelines, 2015. Collection method: clinical testing. Allele origin: germline.

Literature cited by the submitters: PubMed 36179682 (cited by Quest Diagnostics Nichols Institute San Juan Capistrano).

NM_000465.4(BARD1):c.653G>T (p.Trp218Leu)

Gene: BARD1 (BRCA1 associated RING domain 1; minus strand). Cytogenetic location: 2q35.
Variant type: single nucleotide variant.
Coding change: c.653G>T on transcript NM_000465.4 (MANE Select); coding-DNA position 653, G replaced by T.
Protein change: p.Trp218Leu; replaces tryptophan 218 with leucine.
Molecular consequence: missense variant. On other transcripts: non-coding transcript variant (2), intron variant (3).
Genome position (GRCh38, 1-based): chr2:214,781,221, C>A on the plus strand (G>T on the coding strand, the complement: BARD1 is on the minus strand). VCF-style: chr2-214781221-C-A. GRCh37 (hg19) VCF-style: chr2-215645945-C-A.
Other names: c.596G>T, p.Trp199Leu (NM_001282543.2); c.158+28191G>T (NM_001282548.2); c.215+15840G>T (NM_001282545.2); c.364+11076G>T (NM_001282549.2); short protein forms W218L, W199L.
Identifiers: ClinVar variation 479178 (VCV000479178.14), dbSNP rs1553622534, ClinGen allele CA350456575.